The following is an entry in ClinVar:

NM_001101426.4(CRPPA):c.1120-1G>T

Genes: CRPPA (CDP-L-ribitol pyrophosphorylase A; minus strand), CRPPA-AS1 (CRPPA antisense RNA 1; plus strand). Cytogenetic location: 7p21.2.
Variant type: single nucleotide variant.
Coding change: c.1120-1G>T on transcript NM_001101426.4 (MANE Select); the canonical splice acceptor site of the intron before coding-DNA position 1120, G replaced by T.
Molecular consequence: splice acceptor variant.
Genome position (GRCh38, 1-based): chr7:16,216,198, C>A on the plus strand (G>T on the coding strand, the complement: CRPPA is on the minus strand). VCF-style: chr7-16216198-C-A. GRCh37 (hg19) VCF-style: chr7-16255823-C-A.
Other names: p.?; IVS8AS, G-T, -1; c.970-1G>T (NM_001101417.4); c.1015-1G>T (NM_001368197.1).
Identifiers: ClinVar variation 31561 (VCV000031561.16), dbSNP rs397515396, ClinGen allele CA260022.

ClinVar aggregate classification (germline): Pathogenic. Review status: criteria provided, multiple submitters, no conflicts (2 of 4 stars). 4 submissions from 4 submitters: Pathogenic (3). 1 of the submissions does not count toward it. Last evaluated 2023-04-21.

Conditions:
Muscular dystrophy-dystroglycanopathy (congenital with brain and eye anomalies), type A, 7. Also called: WALKER-WARBURG SYNDROME OR MUSCLE-EYE-BRAIN DISEASE, ISPD-RELATED; Congenital muscular dystrophy-dystroglycanopathy with brain and eye anomalies, type A7. Identifiers: Orphanet 899, MedGen C3553330, MONDO:0013835, OMIM 614643.
Autosomal recessive limb-girdle muscular dystrophy type 2U. Also called: Muscular dystrophy-dystroglycanopathy (limb-girdle), type c, 7; MUSCULAR DYSTROPHY, LIMB-GIRDLE, TYPE 2U. Identifiers: Orphanet 352479, MedGen C5190987, MONDO:0014474, OMIM 616052.

Submissions (4):

Greenwood Genetic Center Diagnostic Laboratories, Greenwood Genetic Center
Classification: Pathogenic for Muscular dystrophy-dystroglycanopathy (congenital with brain and eye anomalies), type A, 7. Last evaluated: 2023-04-21. Review status: criteria provided, single submitter. Criteria: ACMG Guidelines, 2015. Collection method: clinical testing. Allele origin: germline. Affected: yes.
Comment: PVS1, PS3, PM3_Supporting,

Labcorp Genetics (formerly Invitae), Labcorp
Classification: Pathogenic for Muscular dystrophy-dystroglycanopathy (congenital with brain and eye anomalies), type A, 7; Autosomal recessive limb-girdle muscular dystrophy type 2U. Last evaluated: 2022-10-14. Review status: criteria provided, single submitter. Criteria: Invitae Variant Classification Sherloc (09022015). Collection method: clinical testing. Allele origin: germline.
Comment: This sequence change affects an acceptor splice site in intron 8 of the ISPD gene. It is expected to disrupt RNA splicing. Variants that disrupt the donor or acceptor splice site typically lead to a loss of protein function (PMID: 16199547), and loss-of-function variants in ISPD are known to be pathogenic (PMID: 23288328). This variant is not present in population databases (gnomAD no frequency). Disruption of this splice site has been observed in individuals with Walker-Warburg syndrome (PMID: 22522420). ClinVar contains an entry for this variant (Variation ID: 31561). Algorithms developed to predict the effect of variants on protein structure and function are not available or were not evaluated for this variant. Experimental studies have shown that disruption of this splice site affects ISPD function (PMID: 22522420). Algorithms developed to predict the effect of sequence changes on RNA splicing suggest that this variant may disrupt the consensus splice site. For these reasons, this variant has been classified as Pathogenic.

Eurofins Ntd Llc (ga)
Classification: Pathogenic. Last evaluated: 2016-03-23. Review status: criteria provided, single submitter. Criteria: EGL Classification Definitions 2015. Collection method: clinical testing. Allele origin: germline. Observed: 1 variant allele, 1 heterozygote.

OMIM
Classification: Pathogenic for MUSCULAR DYSTROPHY-DYSTROGLYCANOPATHY (CONGENITAL WITH BRAIN AND EYE ANOMALIES), TYPE A, 7. Last evaluated: 2012-05-01. Review status: no assertion criteria provided. Collection method: literature only. Allele origin: germline. Not counted in ClinVar's aggregate classification.

Literature cited by the submitters: PubMed 16199547 (cited by Labcorp Genetics (formerly Invitae), Labcorp); PubMed 23288328 (cited by Labcorp Genetics (formerly Invitae), Labcorp); PubMed 22522420 (cited by Labcorp Genetics (formerly Invitae), Labcorp and OMIM); PubMed 9492098 (cited by OMIM).